The following is an entry in ClinVar:

ClinVar aggregate classification (germline): Uncertain significance. Review status: criteria provided, multiple submitters, no conflicts (2 of 4 stars). 2 submissions from 2 submitters: Uncertain significance (2). Last evaluated 2023-05-09.

Conditions:
Heterotopia, periventricular, X-linked dominant (PVNH1). Also called: PERIVENTRICULAR NODULAR HETEROTOPIA 4; HETEROTOPIA, PERIVENTRICULAR, 1; PERIVENTRICULAR NODULAR HETEROTOPIA 1; X-linked periventricular heterotopia. Identifiers: Orphanet 2149, Orphanet 82004, MedGen C1848213, MONDO:0010233, OMIM 300049.
Melnick-Needles syndrome (MNS). Also called: Melnick-Needles Syndrome (FLNA-MNS); MELNICK-NEEDLES OSTEODYSPLASTY; OSTEODYSPLASTY OF MELNICK AND NEEDLES. Identifiers: Orphanet 2484, MedGen C0025237, MONDO:0010650, OMIM 309350.
Frontometaphyseal dysplasia (FMD1). Identifiers: Orphanet 1826, MedGen C0265293, MONDO:0015942.
Oto-palato-digital syndrome, type II (OPD2). Also called: Otopalatodigital Syndrome Type 2 (FLNA-OPD2); FACIOPALATOOSSEOUS SYNDROME; OPD II SYNDROME; Otopalatodigital Syndrome, Type II. Identifiers: Orphanet 669, Orphanet 90652, MedGen C1844696, MONDO:0010571, OMIM 304120.

Allele frequency attached by ClinVar (database versions not stated): gnomAD exomes below 0.00001; gnomAD 0.00001.
gnomAD v4.1: 3 of 1,201,672 alleles (0.00025%); highest among the groups gnomAD compares: East Asian, 0.003%; no homozygotes.

Submissions (2):

Labcorp Genetics (formerly Invitae), Labcorp
Classification: Uncertain significance for Oto-palato-digital syndrome, type II; Heterotopia, periventricular, X-linked dominant; Frontometaphyseal dysplasia; Melnick-Needles syndrome. Last evaluated: 2023-05-09. Review status: criteria provided, single submitter. Criteria: Invitae Variant Classification Sherloc (09022015). Collection method: clinical testing. Allele origin: germline.
Comment: In summary, the available evidence is currently insufficient to determine the role of this variant in disease. Therefore, it has been classified as a Variant of Uncertain Significance. Advanced modeling of protein sequence and biophysical properties (such as structural, functional, and spatial information, amino acid conservation, physicochemical variation, residue mobility, and thermodynamic stability) performed at Invitae indicates that this missense variant is not expected to disrupt FLNA protein function. ClinVar contains an entry for this variant (Variation ID: 1878880). This variant has not been reported in the literature in individuals affected with FLNA-related conditions. This variant is not present in population databases (gnomAD no frequency). This sequence change replaces alanine, which is neutral and non-polar, with valine, which is neutral and non-polar, at codon 1072 of the FLNA protein (p.Ala1072Val).

GeneDx
Classification: Uncertain significance. Last evaluated: 2022-07-15. Review status: criteria provided, single submitter. Criteria: GeneDx Variant Classification Process June 2021. Collection method: clinical testing. Allele origin: germline. Affected: yes.
Comment: Not observed at significant frequency in large population cohorts (gnomAD); In silico analysis supports that this missense variant has a deleterious effect on protein structure/function; Has not been previously published as pathogenic or benign to our knowledge

NM_001110556.2(FLNA):c.3215C>T (p.Ala1072Val)

Gene: FLNA (filamin A; minus strand). Cytogenetic location: Xq28.
Variant type: single nucleotide variant.
Coding change: c.3215C>T on transcript NM_001110556.2 (MANE Select); coding-DNA position 3215, C replaced by T.
Protein change: p.Ala1072Val; replaces alanine 1072 with valine.
Molecular consequence: missense variant.
Genome position (GRCh38, 1-based): chrX:154,360,580, G>A on the plus strand (C>T on the coding strand, the complement: FLNA is on the minus strand). VCF-style: chrX-154360580-G-A. GRCh37 (hg19) VCF-style: chrX-153588948-G-A.
Other names: c.3215C>T, p.Ala1072Val (NM_001456.4); short protein forms A1072V.
Identifiers: ClinVar variation 1878880 (VCV001878880.6), dbSNP rs1603361255, ClinGen allele CA415229488.